The following is an entry in ClinVar:

ClinVar aggregate classification (germline): Uncertain significance (1 of 4 stars; one submission).

Conditions:
Immunodeficiency, common variable, 10. Also called: DEFICIT IN ANTERIOR PITUITARY FUNCTION AND VARIABLE IMMUNODEFICIENCY; IMMUNODEFICIENCY, COMMON VARIABLE, WITH CENTRAL ADRENAL INSUFFICIENCY. Identifiers: MedGen C3809991, MONDO:0014260, OMIM 615577.

Submission:

Labcorp Genetics (formerly Invitae), Labcorp
Classification: Uncertain significance for Immunodeficiency, common variable, 10. Last evaluated: 2021-05-19. Review status: criteria provided, single submitter. Criteria: Invitae Variant Classification Sherloc (09022015). Collection method: clinical testing. Allele origin: germline.
Comment: In summary, the available evidence is currently insufficient to determine the role of this variant in disease. Therefore, it has been classified as a Variant of Uncertain Significance. Algorithms developed to predict the effect of missense changes on protein structure and function (SIFT, PolyPhen-2, Align-GVGD) all suggest that this variant is likely to be tolerated, but these predictions have not been confirmed by published functional studies and their clinical significance is uncertain. This variant has not been reported in the literature in individuals with NFKB2-related conditions. This variant is not present in population databases (ExAC no frequency). This sequence change replaces methionine with threonine at codon 356 of the NFKB2 protein (p.Met356Thr). The methionine residue is moderately conserved and there is a moderate physicochemical difference between methionine and threonine.

NM_001322934.2(NFKB2):c.1067T>C (p.Met356Thr)

Gene: NFKB2 (nuclear factor kappa B subunit 2; plus strand). Cytogenetic location: 10q24.32.
Variant type: single nucleotide variant.
Coding change: c.1067T>C on transcript NM_001322934.2 (MANE Select); coding-DNA position 1067, T replaced by C.
Protein change: p.Met356Thr; replaces methionine 356 with threonine.
Molecular consequence: missense variant. On other transcripts: intron variant (1).
Genome position (GRCh38, 1-based): chr10:102,398,814, T>C. VCF-style: chr10-102398814-T-C. GRCh37 (hg19) VCF-style: chr10-104158571-T-C.
Other names: c.1067T>C, p.Met356Thr (NM_001077494.3, NM_001261403.3, NM_001288724.1 and 1 more transcripts); c.991+291T>C (NM_001322935.1); short protein forms M356T.
Identifiers: ClinVar variation 1351205 (VCV001351205.8), dbSNP rs757746385, ClinGen allele CA377898168.